The following is an entry in ClinVar:

ClinVar aggregate classification (germline): Pathogenic/Likely pathogenic. Review status: criteria provided, multiple submitters, no conflicts (2 of 4 stars). 2 submissions from 2 submitters: Pathogenic (1); Likely pathogenic (1). Last evaluated 2025-05-30.

Conditions:
Trichohepatoenteric syndrome 1 (THES1). Also called: DIARRHEA, FATAL INFANTILE, WITH TRICHORRHEXIS NODOSA. Identifiers: Orphanet 84064, MedGen C4551982, MONDO:0024541, OMIM 222470.

Submissions (2):

First Genomix Gene Laboratory, Genetic Diagnostics Department
Classification: Likely pathogenic for Trichohepatoenteric syndrome 1. Last evaluated: 2025-05-30. Review status: criteria provided, single submitter. Criteria: ACMG Guidelines, 2015. Collection method: clinical testing. Allele origin: germline. Inheritance: Autosomal recessive inheritance. Affected: no. Observed: 1 variant allele.

Labcorp Genetics (formerly Invitae), Labcorp
Classification: Pathogenic. Last evaluated: 2024-02-24. Review status: criteria provided, single submitter. Criteria: Invitae Variant Classification Sherloc (09022015). Collection method: clinical testing. Allele origin: germline.
Comment: This sequence change creates a premature translational stop signal (p.Gln1208*) in the TTC37 gene. It is expected to result in an absent or disrupted protein product. Loss-of-function variants in TTC37 are known to be pathogenic (PMID: 20176027, 21120949). This variant is not present in population databases (gnomAD no frequency). This variant has not been reported in the literature in individuals affected with TTC37-related conditions. For these reasons, this variant has been classified as Pathogenic.

Literature cited by the submitters: PubMed 20176027 (cited by Labcorp Genetics (formerly Invitae), Labcorp); PubMed 21120949 (cited by Labcorp Genetics (formerly Invitae), Labcorp).

NM_014639.4(SKIC3):c.3622C>T (p.Gln1208Ter)

Gene: SKIC3 (SKI3 subunit of superkiller complex; minus strand). Cytogenetic location: 5q15.
Variant type: single nucleotide variant.
Coding change: c.3622C>T on transcript NM_014639.4 (MANE Select); coding-DNA position 3622, C replaced by T.
Protein change: p.Gln1208Ter; replaces glutamine 1208 with a stop codon.
Molecular consequence: nonsense.
Genome position (GRCh38, 1-based): chr5:95,497,430, G>A on the plus strand (C>T on the coding strand, the complement: SKIC3 is on the minus strand). VCF-style: chr5-95497430-G-A. GRCh37 (hg19) VCF-style: chr5-94833134-G-A.
Other names: short protein forms Q1208*.
Identifiers: ClinVar variation 3001972 (VCV003001972.4), dbSNP rs541022022, ClinGen allele CA122832543.